The following is an entry in ClinVar:

ClinVar aggregate classification (germline): Likely benign. Review status: criteria provided, multiple submitters, no conflicts (2 of 4 stars). 2 submissions from 2 submitters: Likely benign (2). Last evaluated 2026-03-01.

gnomAD v4.1: 32 of 1,614,034 alleles (0.002%); highest among the groups gnomAD compares: Middle Eastern, 0.033%; no homozygotes.

Submissions (2):

CeGaT Center for Human Genetics Tuebingen
Classification: Likely benign. Last evaluated: 2026-03-01. Review status: criteria provided, single submitter. Criteria: CeGaT Center For Human Genetics Tuebingen Variant Classification Criteria Version 2. Collection method: clinical testing. Allele origin: germline. Affected: yes. Observed: 2 variant alleles.
Comment: ADCY10: BP4

Labcorp Genetics (formerly Invitae), Labcorp
Classification: Likely benign. Last evaluated: 2025-04-23. Review status: criteria provided, single submitter. Criteria: Invitae Variant Classification Sherloc (09022015). Collection method: clinical testing. Allele origin: germline.

NM_018417.6(ADCY10):c.2717-8C>T

Gene: ADCY10 (adenylate cyclase 10; minus strand). Cytogenetic location: 1q24.2.
Variant type: single nucleotide variant.
Coding change: c.2717-8C>T on transcript NM_018417.6 (MANE Select); 8 bases into the intron before coding-DNA position 2717, C replaced by T.
Molecular consequence: intron variant.
Genome position (GRCh38, 1-based): chr1:167,845,861, G>A on the plus strand (C>T on the coding strand, the complement: ADCY10 is on the minus strand). VCF-style: chr1-167845861-G-A. GRCh37 (hg19) VCF-style: chr1-167815099-G-A.
Other names: c.2258-8C>T (NM_001167749.3); c.2441-8C>T (NM_001297772.2).
Identifiers: ClinVar variation 4801947 (VCV004801947.5).